The following is an entry in ClinVar:

ClinVar aggregate classification (germline): Uncertain significance (1 of 4 stars; one submission).

Submission:

ISCA site 15
Classification: Uncertain significance. Last evaluated: 2011-08-12. Review status: criteria provided, single submitter. Criteria: Kaminsky et al. (Genet Med. 2011). Collection method: clinical testing. Allele origin: maternal. Affected: yes. Observed: 1 variant allele.
Comment: Copy number variation identified through the course of routine clinical cytogenomic testing in postnatal populations. Clinical assertions have been curated as described in Kaminsky et al. 2011.

GRCh38/hg38 7p12.1-11.2(chr7:52114454-57434735)x1

Genes: CCT6A (chaperonin containing TCP1 subunit 6A; plus strand), CHCHD2 (coiled-coil-helix-coiled-coil-helix domain containing 2; minus strand), DKFZp434L192 (uncharacterized protein DKFZp434L192; plus strand), EGFR (epidermal growth factor receptor; plus strand), EGFR-AS1 (EGFR antisense RNA 1; minus strand) and 105 more. Cytogenetic location: 7p12.1-11.2.
Variant type: copy number loss.
Change: copy number 1 (one copy instead of two) of chr7:52,114,454-57,434,735 (5.32 Mb, GRCh38 coordinates, 1-based), cytogenetic band 7p12.1-11.2.
Identifiers: ClinVar variation 58866 (VCV000058866.1).